The following is an entry in ClinVar:

ClinVar aggregate classification (germline): Likely benign (0 of 4 stars; one submission).

Conditions:
NME3-related condition.

Submission:

PreventionGenetics, part of Exact Sciences
Classification: Likely benign for NME3-related condition. Last evaluated: 2024-08-20. Review status: no assertion criteria provided. Collection method: clinical testing. Allele origin: germline.
Comment: This variant is classified as likely benign based on ACMG/AMP sequence variant interpretation guidelines (Richards et al. 2015 PMID: 25741868, with internal and published modifications).

NM_002513.3(NME3):c.477G>A (p.Trp159Ter)

Gene: NME3 (NME/NM23 nucleoside diphosphate kinase 3; minus strand). Cytogenetic location: 16p13.3.
Variant type: single nucleotide variant.
Coding change: c.477G>A on transcript NM_002513.3 (MANE Select); coding-DNA position 477, G replaced by A.
Protein change: p.Trp159Ter; replaces tryptophan 159 with a stop codon.
Molecular consequence: nonsense.
Genome position (GRCh38, 1-based): chr16:1,770,682, C>T on the plus strand (G>A on the coding strand, the complement: NME3 is on the minus strand). VCF-style: chr16-1770682-C-T. GRCh37 (hg19) VCF-style: chr16-1820683-C-T.
Other names: short protein forms W159*.
Identifiers: ClinVar variation 3352216 (VCV003352216.1).